The following is an entry in ClinVar:

NM_030631.4(SLC25A21):c.652G>A (p.Gly218Arg)

Gene: SLC25A21 (solute carrier family 25 member 21; minus strand). Cytogenetic location: 14q13.3.
Variant type: single nucleotide variant.
Coding change: c.652G>A on transcript NM_030631.4 (MANE Select); coding-DNA position 652, G replaced by A.
Protein change: p.Gly218Arg; replaces glycine 218 with arginine.
Molecular consequence: missense variant.
Genome position (GRCh38, 1-based): chr14:36,684,877, C>T on the plus strand (G>A on the coding strand, the complement: SLC25A21 is on the minus strand). VCF-style: chr14-36684877-C-T. GRCh37 (hg19) VCF-style: chr14-37154082-C-T.
Other names: c.652G>A, p.Gly218Arg (NM_001171170.2); c.652G>A (NM_030631.3); short protein forms G218R.
Identifiers: ClinVar variation 1520793 (VCV001520793.7), dbSNP rs1882464417, ClinGen allele CA389465396.
Genomic context (GRCh38, chr14:36,684,877, plus strand): 5'-GCCCTTGAATCCTACTTTTGGCAACATCAAAAGGGATGTTAATGACTGAGGCTATTGTCC[C>T]CGAGAGAAGACCAATCCCAAATTTTCTCCAAAACTCCAAGATTGGATCCTAAAAGAAAAG-3'
Protein context (NP_085134.1, residues 208-228): WRKFGIGLLS[Gly218Arg]TIASVINIPF

ClinVar aggregate classification (germline): Uncertain significance. Review status: criteria provided, multiple submitters, no conflicts (2 of 4 stars). 2 submissions from 2 submitters: Uncertain significance (2). Last evaluated 2025-05-27.

Allele frequency attached by ClinVar (database versions not stated): gnomAD exomes below 0.00001; gnomAD 0.00001.
gnomAD v4.1: 2 of 1,612,458 alleles (0.00012%); highest among the groups gnomAD compares: Non-Finnish European, 0.00017%; no homozygotes.

Submissions (2):

Labcorp Genetics (formerly Invitae), Labcorp
Classification: Uncertain significance. Last evaluated: 2025-05-27. Review status: criteria provided, single submitter. Criteria: Invitae Variant Classification Sherloc (09022015). Collection method: clinical testing. Allele origin: germline.
Comment: This sequence change replaces glycine, which is neutral and non-polar, with arginine, which is basic and polar, at codon 218 of the SLC25A21 protein (p.Gly218Arg). This variant is not present in population databases (gnomAD no frequency). This variant has not been reported in the literature in individuals affected with SLC25A21-related conditions. ClinVar contains an entry for this variant (Variation ID: 1520793). Invitae Evidence Modeling of protein sequence and biophysical properties (such as structural, functional, and spatial information, amino acid conservation, physicochemical variation, residue mobility, and thermodynamic stability) indicates that this missense variant is expected to disrupt SLC25A21 protein function with a positive predictive value of 80%. In summary, the available evidence is currently insufficient to determine the role of this variant in disease. Therefore, it has been classified as a Variant of Uncertain Significance.

Ambry Genetics
Classification: Uncertain significance. Last evaluated: 2025-02-07. Review status: criteria provided, single submitter. Criteria: Ambry Variant Classification Scheme 2023. Collection method: clinical testing. Allele origin: germline.